The following is an entry in ClinVar:

NM_002485.5(NBN):c.2064C>G (p.Phe688Leu)

Gene: NBN (nibrin; minus strand). Cytogenetic location: 8q21.3.
Variant type: single nucleotide variant.
Coding change: c.2064C>G on transcript NM_002485.5 (MANE Select); coding-DNA position 2064, C replaced by G.
Protein change: p.Phe688Leu; replaces phenylalanine 688 with leucine.
Molecular consequence: missense variant.
Genome position (GRCh38, 1-based): chr8:89,946,146, G>C on the plus strand (C>G on the coding strand, the complement: NBN is on the minus strand). VCF-style: chr8-89946146-G-C. GRCh37 (hg19) VCF-style: chr8-90958374-G-C.
Other names: c.1818C>G, p.Phe606Leu (NM_001024688.3); short protein forms F606L, F688L.
Identifiers: ClinVar variation 2084192 (VCV002084192.4), dbSNP rs1810174298, ClinGen allele CA371676326.

ClinVar aggregate classification (germline): Uncertain significance (1 of 4 stars; one submission).

Conditions:
Microcephaly, normal intelligence and immunodeficiency (NBS). Also called: BERLIN BREAKAGE SYNDROME; Ataxia telangiectasia variant V1; Nijmegen breakage syndrome; Microcephaly with normal intelligence immunodeficiency and lymphoreticular malignancies; Nonsyndromal microcephaly autosomal recessive with normal intelligence; Seemanova syndrome 2. Identifiers: Orphanet 647, MedGen C0398791, MONDO:0009623, OMIM 251260.

Submission:

Labcorp Genetics (formerly Invitae), Labcorp
Classification: Uncertain significance for Microcephaly, normal intelligence and immunodeficiency. Last evaluated: 2023-03-23. Review status: criteria provided, single submitter. Criteria: Invitae Variant Classification Sherloc (09022015). Collection method: clinical testing. Allele origin: germline.
Comment: In summary, the available evidence is currently insufficient to determine the role of this variant in disease. Therefore, it has been classified as a Variant of Uncertain Significance. An algorithm developed to predict the effect of missense changes on protein structure and function (PolyPhen-2) suggests that this variant is likely to be disruptive. ClinVar contains an entry for this variant (Variation ID: 2084192). This variant has not been reported in the literature in individuals affected with NBN-related conditions. This variant is not present in population databases (gnomAD no frequency). This sequence change replaces phenylalanine, which is neutral and non-polar, with leucine, which is neutral and non-polar, at codon 688 of the NBN protein (p.Phe688Leu).